The following is an entry in ClinVar:

NM_000181.4(GUSB):c.1402G>A (p.Ala468Thr)

Gene: GUSB (glucuronidase beta; minus strand). Cytogenetic location: 7q11.21.
Variant type: single nucleotide variant.
Coding change: c.1402G>A on transcript NM_000181.4 (MANE Select); coding-DNA position 1402, G replaced by A.
Protein change: p.Ala468Thr; replaces alanine 468 with threonine.
Molecular consequence: missense variant.
Genome position (GRCh38, 1-based): chr7:65,970,356, C>T on the plus strand (G>A on the coding strand, the complement: GUSB is on the minus strand). VCF-style: chr7-65970356-C-T. GRCh37 (hg19) VCF-style: chr7-65435343-C-T.
Other names: c.964G>A, p.Ala322Thr (NM_001284290.2); c.832G>A, p.Ala278Thr (NM_001293104.2); c.745G>A, p.Ala249Thr (NM_001293105.2); short protein forms A468T, A249T, A322T, A278T.
Identifiers: ClinVar variation 798157 (VCV000798157.10), dbSNP rs752854143, ClinGen allele CA4276274.

ClinVar aggregate classification (germline): Likely benign. Review status: criteria provided, multiple submitters, no conflicts (2 of 4 stars). 3 submissions from 3 submitters: Likely benign (3). Last evaluated 2026-01-12.

Conditions:
GUSB-related disorder. Also called: GUSB-related condition.
Mucopolysaccharidosis type 7 (MPS7). Also called: BETA-GLUCURONIDASE DEFICIENCY; MPS VII; GUSB DEFICIENCY; SLY SYNDROME. Identifiers: Orphanet 584, MedGen C0085132, MONDO:0009662, OMIM 253220.

Allele frequency attached by ClinVar (database versions not stated): gnomAD exomes 0.00006 and 0.00028; gnomAD 0.00007; TOPMed 0.00013; ExAC 0.00024.
gnomAD v4.1: 95 of 1,610,304 alleles (0.0059%); highest among the groups gnomAD compares: Admixed American, 0.15%; no homozygotes.

Submissions (3):

Labcorp Genetics (formerly Invitae), Labcorp
Classification: Likely benign for Mucopolysaccharidosis type 7. Last evaluated: 2026-01-12. Review status: criteria provided, single submitter. Criteria: Invitae Variant Classification Sherloc (09022015). Collection method: clinical testing. Allele origin: germline.

PreventionGenetics, part of Exact Sciences
Classification: Likely benign for GUSB-related condition. Last evaluated: 2025-07-08. Review status: criteria provided, single submitter. Criteria: ACMG Guidelines, 2015. Collection method: clinical testing. Allele origin: germline.
Comment: This variant is classified as likely benign based on ACMG/AMP sequence variant interpretation guidelines (Richards et al. 2015 PMID: 25741868, with internal and published modifications).

Blueprint Genetics
Classification: Likely benign. Last evaluated: 2023-11-22. Review status: criteria provided, single submitter. Criteria: ACMG Guidelines, 2015. Collection method: clinical testing. Allele origin: germline.